The following is an entry in ClinVar:

ClinVar aggregate classification (germline): Uncertain significance. Review status: criteria provided, multiple submitters, no conflicts (2 of 4 stars). 2 submissions from 2 submitters: Uncertain significance (2). Last evaluated 2026-07-06.

Conditions:
Hereditary cancer-predisposing syndrome. Also called: Hereditary neoplastic syndrome; Neoplastic Syndromes, Hereditary; Tumor predisposition; Hereditary Cancer Syndrome. Identifiers: Orphanet 140162, MedGen C0027672, MeSH D009386, MONDO:0015356.
Hereditary pheochromocytoma and paraganglioma. Also called: Hereditary Paraganglioma-Pheochromocytoma Syndromes; Hereditary paragangliomas and pheochromocytomas; Hereditary pheochromocytoma-paraganglioma. Identifiers: Orphanet 29072, MedGen C4274332, MONDO:0017366.

Allele frequency attached by ClinVar (database versions not stated): gnomAD exomes below 0.00001; ESP Exome Variant Server 0.00008.

Submissions (2):

Ambry Genetics
Classification: Uncertain significance for Hereditary cancer-predisposing syndrome. Last evaluated: 2026-07-06. Review status: criteria provided, single submitter. Criteria: Ambry Variant Classification Scheme 2023. Collection method: clinical testing. Allele origin: germline.
Comment: The p.Y115H variant (also known as c.343T>C), located in coding exon 5 of the MAX gene, results from a T to C substitution at nucleotide position 343. The tyrosine at codon 115 is replaced by histidine, an amino acid with similar properties. This amino acid position is conserved. In addition, this alteration is predicted to be deleterious by in silico analysis. Based on the available evidence, the clinical significance of this variant remains unclear.

Labcorp Genetics (formerly Invitae), Labcorp
Classification: Uncertain significance for Hereditary pheochromocytoma and paraganglioma. Last evaluated: 2024-04-17. Review status: criteria provided, single submitter. Criteria: Invitae Variant Classification Sherloc (09022015). Collection method: clinical testing. Allele origin: germline.
Comment: This sequence change replaces tyrosine, which is neutral and polar, with histidine, which is basic and polar, at codon 115 of the MAX protein (p.Tyr115His). The frequency data for this variant in the population databases is considered unreliable, as metrics indicate poor data quality at this position in the gnomAD database. This variant has not been reported in the literature in individuals affected with MAX-related conditions. ClinVar contains an entry for this variant (Variation ID: 2011293). An algorithm developed to predict the effect of missense changes on protein structure and function (PolyPhen-2) suggests that this variant is likely to be tolerated. In summary, the available evidence is currently insufficient to determine the role of this variant in disease. Therefore, it has been classified as a Variant of Uncertain Significance.

NM_002382.5(MAX):c.343T>C (p.Tyr115His)

Gene: MAX (MYC associated transcriptional regulator X; minus strand). Cytogenetic location: 14q23.3.
Variant type: single nucleotide variant.
Coding change: c.343T>C on transcript NM_002382.5 (MANE Select); coding-DNA position 343, T replaced by C.
Protein change: p.Tyr115His; replaces tyrosine 115 with histidine.
Molecular consequence: missense variant. On other transcripts: intron variant (2), 3 prime UTR variant (1).
Genome position (GRCh38, 1-based): chr14:65,076,616, A>G on the plus strand (T>C on the coding strand, the complement: MAX is on the minus strand). VCF-style: chr14-65076616-A-G. GRCh37 (hg19) VCF-style: chr14-65543334-A-G.
Other names: c.154T>C, p.Tyr52His (NM_001320415.2, NM_001407105.1, NM_001407106.1 and 1 more transcripts); c.343T>C, p.Tyr115His (NM_001407094.1); c.316T>C, p.Tyr106His (NM_001407095.1, NM_145112.3); c.*116T>C (NM_001407096.1, NM_001407099.1, NM_001407102.1 and 2 more transcripts); c.*132T>C (NM_001407097.1, NM_001407100.1, NM_001407101.1 and 4 more transcripts); c.235T>C, p.Tyr79His (NM_001407098.1); c.144+17092T>C (NM_001271069.2); c.171+17092T>C (NM_197957.4); and 1 more; short protein forms Y48H, Y106H, Y115H, Y52H, Y79H.
Identifiers: ClinVar variation 2011293 (VCV002011293.5), dbSNP rs145657754, ClinGen allele CA262717108.